The following is an entry in ClinVar:

ClinVar aggregate classification (germline): Uncertain significance (1 of 4 stars; one submission).

Conditions:
Dilated cardiomyopathy 1G (CMD1G). Identifiers: Orphanet 154, MedGen C1858763, MONDO:0011400, OMIM 604145.
Autosomal recessive limb-girdle muscular dystrophy type 2J (LGMDR10). Also called: Limb-girdle muscular dystrophy, type 2J; MUSCULAR DYSTROPHY, LIMB-GIRDLE, AUTOSOMAL RECESSIVE 10. Identifiers: Orphanet 140922, MedGen C1837342, MONDO:0012127, OMIM 608807.

Submission:

Labcorp Genetics (formerly Invitae), Labcorp
Classification: Uncertain significance for Dilated cardiomyopathy 1G; Autosomal recessive limb-girdle muscular dystrophy type 2J. Last evaluated: 2022-05-12. Review status: criteria provided, single submitter. Criteria: Invitae Variant Classification Sherloc (09022015). Collection method: clinical testing. Allele origin: germline.
Comment: This variant is located in the M band of TTN (PMID: 25589632). Variants in this region may be relevant for neuromuscular disorders, but have not been definitively shown to cause cardiomyopathy (PMID: 23975875). In summary, the available evidence is currently insufficient to determine the role of this variant in disease. Therefore, it has been classified as a Variant of Uncertain Significance. Experimental studies and prediction algorithms are not available or were not evaluated, and the functional significance of this variant is currently unknown. This variant has not been reported in the literature in individuals affected with TTN-related conditions. This variant is not present in population databases (gnomAD no frequency). This sequence change replaces tyrosine, which is neutral and polar, with asparagine, which is neutral and polar, at codon 33845 of the TTN protein (p.Tyr33845Asn).

Literature cited by the submitters: PubMed 25589632; PubMed 23975875.

NM_001267550.2(TTN):c.101533T>A (p.Tyr33845Asn)

Genes: TTN-AS1 (TTN antisense RNA 1; plus strand), TTN (titin; minus strand). Cytogenetic location: 2q31.2.
Variant type: single nucleotide variant.
Coding change: c.101533T>A on transcript NM_001267550.2 (MANE Select); coding-DNA position 101533, T replaced by A.
Protein change: p.Tyr33845Asn; replaces tyrosine 33845 with asparagine.
Molecular consequence: missense variant.
Genome position (GRCh38, 1-based): chr2:178,535,082, A>T on the plus strand (T>A on the coding strand, the complement: TTN is on the minus strand). VCF-style: chr2-178535082-A-T. GRCh37 (hg19) VCF-style: chr2-179399809-A-T.
Other names: c.93829T>A, p.Tyr31277Asn (NM_133378.4); c.74713T>A, p.Tyr24905Asn (NM_133432.3); c.74914T>A, p.Tyr24972Asn (NM_133437.4); c.96610T>A, p.Tyr32204Asn (NM_001256850.1); c.74338T>A, p.Tyr24780Asn (NM_003319.4); short protein forms Y32204N, Y33845N, Y24972N, Y31277N, Y24905N, Y24780N.
Identifiers: ClinVar variation 1993573 (VCV001993573.4), dbSNP rs1227515280, ClinGen allele CA349420505.